The following is an entry in ClinVar:

ClinVar aggregate classification (germline): Uncertain significance. Review status: criteria provided, multiple submitters, no conflicts (2 of 4 stars). 2 submissions from 2 submitters: Uncertain significance (2). Last evaluated 2025-12-03.

Conditions:
Inborn genetic diseases. Identifiers: MedGen C0950123, MeSH D030342.

gnomAD v4.1: 1 of 1,611,684 alleles (0.000062%); no homozygotes.

Submissions (2):

Ambry Genetics
Classification: Uncertain significance for Inborn genetic diseases. Last evaluated: 2025-12-03. Review status: criteria provided, single submitter. Criteria: Ambry Variant Classification Scheme 2023. Collection method: clinical testing. Allele origin: germline.

GeneDx
Classification: Uncertain significance. Last evaluated: 2024-05-31. Review status: criteria provided, single submitter. Criteria: GeneDx Variant Classification Process June 2021. Collection method: clinical testing. Allele origin: germline. Affected: yes.
Comment: Not observed at significant frequency in large population cohorts (gnomAD); In silico analysis supports that this missense variant has a deleterious effect on protein structure/function; Has not been previously published as pathogenic or benign to our knowledge

NM_005862.3(STAG1):c.2627T>C (p.Ile876Thr)

Gene: STAG1 (STAG1 cohesin complex component; minus strand). Cytogenetic location: 3q22.3.
Variant type: single nucleotide variant.
Coding change: c.2627T>C on transcript NM_005862.3 (MANE Select); coding-DNA position 2627, T replaced by C.
Protein change: p.Ile876Thr; replaces isoleucine 876 with threonine.
Molecular consequence: missense variant.
Genome position (GRCh38, 1-based): chr3:136,367,001, A>G on the plus strand (T>C on the coding strand, the complement: STAG1 is on the minus strand). VCF-style: chr3-136367001-A-G. GRCh37 (hg19) VCF-style: chr3-136085843-A-G.
Other names: short protein forms I876T.
Identifiers: ClinVar variation 3383839 (VCV003383839.2).